The following is an entry in ClinVar:

ClinVar aggregate classification (germline): Uncertain significance (1 of 4 stars; one submission).

Conditions:
Frontotemporal dementia (FTD1). Also called: WILHELMSEN-LYNCH DISEASE; FRONTOTEMPORAL DEMENTIA WITH PARKINSONISM; FRONTOTEMPORAL LOBE DEMENTIA; FRONTOTEMPORAL LOBAR DEGENERATION WITH TAU INCLUSIONS; FTLD WITH TAU INCLUSIONS; MULTIPLE SYSTEM TAUOPATHY WITH PRESENILE DEMENTIA. Identifiers: Orphanet 282, MedGen C0338451, MONDO:0017276, OMIM 600274, HP:0002145.

gnomAD v4.1: 4 of 1,612,850 alleles (0.00025%); highest among the groups gnomAD compares: Non-Finnish European, 0.00034%; no homozygotes.

Submission:

Labcorp Genetics (formerly Invitae), Labcorp
Classification: Uncertain significance for Frontotemporal dementia. Last evaluated: 2022-09-06. Review status: criteria provided, single submitter. Criteria: Invitae Variant Classification Sherloc (09022015). Collection method: clinical testing. Allele origin: germline.
Comment: This variant is also known as R544L. This missense change has been observed in individual(s) with sporadic inclusion body myositis (PMID: 25617006). This variant is not present in population databases (gnomAD no frequency). This sequence change replaces arginine, which is basic and polar, with leucine, which is neutral and non-polar, at codon 209 of the MAPT protein (p.Arg209Leu). In summary, the available evidence is currently insufficient to determine the role of this variant in disease. Therefore, it has been classified as a Variant of Uncertain Significance. Algorithms developed to predict the effect of missense changes on protein structure and function are either unavailable or do not agree on the potential impact of this missense change (SIFT: "Deleterious"; PolyPhen-2: "Benign"; Align-GVGD: "Class C0").

Literature cited by the submitters: PubMed 25617006.

NM_001377265.1(MAPT):c.1802G>T (p.Arg601Leu)

Gene: MAPT (microtubule associated protein tau). Cytogenetic location: 17q21.31.
Variant type: single nucleotide variant.
Coding change: c.1802G>T on transcript NM_001377265.1 (MANE Select); coding-DNA position 1802, G replaced by T.
Protein change: p.Arg601Leu; replaces arginine 601 with leucine.
Molecular consequence: missense variant.
Genome position (GRCh38, 1-based): chr17:45,996,468, G>T. VCF-style: chr17-45996468-G-T. GRCh37 (hg19) VCF-style: chr17-44073834-G-T.
Other names: c.1631G>T, p.Arg544Leu (NM_001123066.4); c.539G>T, p.Arg180Leu (NM_001123067.4, NM_001203251.2, NM_001377267.1); c.626G>T, p.Arg209Leu (NM_001203252.2, NM_005910.6); c.1604G>T, p.Arg535Leu (NM_001377266.1); c.452G>T, p.Arg151Leu (NM_001377268.1, NM_016834.5, NM_016841.5); c.1577G>T, p.Arg526Leu (NM_016835.5); short protein forms R535L, R151L, R601L, R180L, R209L, R526L, R544L.
Identifiers: ClinVar variation 2138060 (VCV002138060.4), dbSNP rs115492908, ClinGen allele CA399978077.
Genomic context (GRCh38, chr17:45,996,468, plus strand): 5'-CAAAATCAGGGGATCGCAGCGGCTACAGCAGCCCCGGCTCCCCAGGCACTCCCGGCAGCC[G>T]CTCCCGCACCCCGTCCCTTCCAACCCCACCCACCCGGGAGCCCAAGAAGGTGGCAGTGGT-3'
Protein context (NP_001364194.1, residues 591-611): SPGSPGTPGS[Arg601Leu]SRTPSLPTPP